The following is an entry in ClinVar:

ClinVar aggregate classification (germline): Benign. Review status: criteria provided, multiple submitters, no conflicts (2 of 4 stars). 8 submissions from 8 submitters: Benign (5). 3 of the submissions do not count toward it. Last evaluated 2026-02-01.

Conditions:
Congenital Muscular Dystrophy, alpha-dystroglycan related.
Autosomal recessive limb-girdle muscular dystrophy type 2U. Also called: Muscular dystrophy-dystroglycanopathy (limb-girdle), type c, 7; MUSCULAR DYSTROPHY, LIMB-GIRDLE, TYPE 2U. Identifiers: Orphanet 352479, MedGen C5190987, MONDO:0014474, OMIM 616052.
Muscular dystrophy-dystroglycanopathy (congenital with brain and eye anomalies), type A, 7. Also called: WALKER-WARBURG SYNDROME OR MUSCLE-EYE-BRAIN DISEASE, ISPD-RELATED; Congenital muscular dystrophy-dystroglycanopathy with brain and eye anomalies, type A7. Identifiers: Orphanet 899, MedGen C3553330, MONDO:0013835, OMIM 614643.

Allele frequency attached by ClinVar (database versions not stated): gnomAD exomes 0.00261 and 0.00704; ExAC 0.01087; 1000 Genomes Project 0.02676; gnomAD 0.02747 and 0.02927; 1000 Genomes Project 30x 0.02795; ESP Exome Variant Server 0.02964; TOPMed 0.03108.
gnomAD v4.1: 8,129 of 1,611,086 alleles (0.5%); highest among the groups gnomAD compares: African/African-American, 9.4%; 305 homozygotes.

Submissions (8):

Labcorp Genetics (formerly Invitae), Labcorp
Classification: Benign for Muscular dystrophy-dystroglycanopathy (congenital with brain and eye anomalies), type A, 7; Autosomal recessive limb-girdle muscular dystrophy type 2U. Last evaluated: 2026-02-01. Review status: criteria provided, single submitter. Criteria: Invitae Variant Classification Sherloc (09022015). Collection method: clinical testing. Allele origin: germline.

Mayo Clinic Laboratories, Mayo Clinic
Classification: Benign. Last evaluated: 2019-01-25. Review status: criteria provided, single submitter. Criteria: ACMG Guidelines, 2015. Collection method: clinical testing. Allele origin: germline. Observed: 14 variant alleles.

Illumina Laboratory Services, Illumina
Classification: Benign for Congenital Muscular Dystrophy, alpha-dystroglycan related. Last evaluated: 2018-01-13. Review status: criteria provided, single submitter. Criteria: ICSL Variant Classification Criteria 13 December 2019. Collection method: clinical testing. Allele origin: germline.
Comment: This variant was observed in the ICSL laboratory as part of a predisposition screen in an ostensibly healthy population. It had not been previously curated by ICSL or reported in the Human Gene Mutation Database (HGMD: prior to June 1st, 2018), and was therefore a candidate for classification through an automated scoring system. Utilizing variant allele frequency, disease prevalence and penetrance estimates, and inheritance mode, an automated score was calculated to assess if this variant is too frequent to cause the disease. Based on the score and internal cut-off values, a variant classified as benign is not then subjected to further curation. The score for this variant resulted in a classification of benign for this disease.

GeneDx
Classification: Benign. Last evaluated: 2016-03-14. Review status: criteria provided, single submitter. Criteria: GeneDx Variant Classification (06012015). Collection method: clinical testing. Allele origin: germline. Affected: yes.
Comment: This variant is considered likely benign or benign based on one or more of the following criteria: it is a conservative change, it occurs at a poorly conserved position in the protein, it is predicted to be benign by multiple in silico algorithms, and/or has population frequency not consistent with disease.

PreventionGenetics, part of Exact Sciences
Classification: Benign. Review status: criteria provided, single submitter. Criteria: ACMG Guidelines, 2015. Collection method: clinical testing. Allele origin: germline.

Clinical Genetics DNA and cytogenetics Diagnostics Lab, Erasmus MC, Erasmus Medical Center
Classification: Benign. Review status: no assertion criteria provided. Collection method: clinical testing. Allele origin: germline. Affected: yes. Study: VKGL Data-share Consensus. Not counted in ClinVar's aggregate classification.

Genetic Services Laboratory, University of Chicago
Classification: Likely benign for AllHighlyPenetrant. Review status: no assertion criteria provided. Collection method: clinical testing. Allele origin: germline. Inheritance: Autosomal recessive inheritance. Not counted in ClinVar's aggregate classification.
Comment: Likely benign based on allele frequency in 1000 Genomes Project or ESP global frequency and its presence in a patient with a rare or unrelated disease phenotype. NOT Sanger confirmed.

Laboratory of Diagnostic Genome Analysis, Leiden University Medical Center (LUMC)
Classification: Benign. Review status: no assertion criteria provided. Collection method: clinical testing. Allele origin: germline. Affected: yes. Study: VKGL Data-share Consensus. Not counted in ClinVar's aggregate classification.

NM_001101426.4(CRPPA):c.726A>G (p.Gln242=)

Gene: CRPPA (CDP-L-ribitol pyrophosphorylase A; minus strand). Cytogenetic location: 7p21.2.
Variant type: single nucleotide variant.
Coding change: c.726A>G on transcript NM_001101426.4 (MANE Select); coding-DNA position 726, A replaced by G.
Protein change: p.Gln242=; no amino-acid change (glutamine 242 retained).
Molecular consequence: synonymous variant. On other transcripts: intron variant (1).
Genome position (GRCh38, 1-based): chr7:16,308,586, T>C on the plus strand (A>G on the coding strand, the complement: CRPPA is on the minus strand). VCF-style: chr7-16308586-T-C. GRCh37 (hg19) VCF-style: chr7-16348211-T-C.
Other names: p.Gln242=; c.576A>G, p.Gln192= (NM_001101417.4); c.685-7120A>G (NM_001368197.1).
Identifiers: ClinVar variation 129289 (VCV000129289.22), dbSNP rs61746966, ClinGen allele CA153195.